The following is an entry in ClinVar:

NM_016222.4(DDX41):c.94G>C (p.Asp32His)

Gene: DDX41 (DEAD-box helicase 41; minus strand). Cytogenetic location: 5q35.3.
Variant type: single nucleotide variant.
Coding change: c.94G>C on transcript NM_016222.4 (MANE Select); coding-DNA position 94, G replaced by C.
Protein change: p.Asp32His; replaces aspartic acid 32 with histidine.
Molecular consequence: missense variant. On other transcripts: 5 prime UTR variant (2).
Genome position (GRCh38, 1-based): chr5:177,516,769, C>G on the plus strand (G>C on the coding strand, the complement: DDX41 is on the minus strand). VCF-style: chr5-177516769-C-G. GRCh37 (hg19) VCF-style: chr5-176943770-C-G.
Other names: c.-562G>C (NM_001321732.2); c.-354G>C (NM_001321830.2); short protein forms D32H.
Identifiers: ClinVar variation 4869607 (VCV004869607.1).

ClinVar aggregate classification (germline): Uncertain significance (1 of 4 stars; one submission).

Conditions:
Inborn genetic diseases. Identifiers: MedGen C0950123, MeSH D030342.

Submission:

Ambry Genetics
Classification: Uncertain significance for Inborn genetic diseases. Last evaluated: 2026-05-08. Review status: criteria provided, single submitter. Criteria: Ambry Variant Classification Scheme 2023. Collection method: clinical testing. Allele origin: germline.
Comment: The p.D32H variant (also known as c.94G>C), located in coding exon 2 of the DDX41 gene, results from a G to C substitution at nucleotide position 94. The aspartic acid at codon 32 is replaced by histidine, an amino acid with similar properties. This amino acid position is well conserved in available vertebrate species. In addition, this alteration is predicted to be tolerated by in silico analysis. Based on the available evidence, the clinical significance of this variant remains unclear.